The following is an entry in ClinVar:

NM_001271938.2(MEGF8):c.5634C>T (p.Arg1878=)

Gene: MEGF8 (multiple EGF like domains 8; plus strand). Cytogenetic location: 19q13.2.
Variant type: single nucleotide variant.
Coding change: c.5634C>T on transcript NM_001271938.2 (MANE Select); coding-DNA position 5634, C replaced by T.
Protein change: p.Arg1878=; no amino-acid change (arginine 1878 retained).
Molecular consequence: synonymous variant.
Genome position (GRCh38, 1-based): chr19:42,360,920, C>T. VCF-style: chr19-42360920-C-T. GRCh37 (hg19) VCF-style: chr19-42865072-C-T.
Other names: c.5433C>T, p.Arg1811= (NM_001410.3).
Identifiers: ClinVar variation 473336 (VCV000473336.49), dbSNP rs62648096, ClinGen allele CA9475629.
Genomic context (GRCh38, chr19:42,360,920, plus strand): 5'-TTTCGGGGGAGTGGCCCTGGGCCGCCTGCTGGCACTGACCCTGCCCCCTGACCCCTGCCG[C>T]CTGCTGTCCTCACCTGAAGCTTGTAACCAGTCTGGGGCCTGCACCTGGTGCCATGGGGCC-3'
Protein context (NP_001258867.1, residues 1868-1888): LALTLPPDPC[Arg1878=]LLSSPEACNQ

ClinVar aggregate classification (germline): Benign/Likely benign. Review status: criteria provided, multiple submitters, no conflicts (2 of 4 stars). 5 submissions from 5 submitters: Benign (1); Likely benign (3). 1 of the submissions does not count toward it. Last evaluated 2026-06-01.

Conditions:
MEGF8-related Carpenter syndrome. Also called: Carpenter syndrome 2. Identifiers: Orphanet 65759, MedGen C3554247, MONDO:0013998, OMIM 614976.
MEGF8-related disorder. Also called: MEGF8-related condition.

Allele frequency attached by ClinVar (database versions not stated): 1000 Genomes Project 0.00300; 1000 Genomes Project 30x 0.00328; ESP Exome Variant Server 0.00523; TOPMed 0.00557; gnomAD 0.00651 and 0.00664; gnomAD exomes 0.00719 and 0.00794; ExAC 0.00860.
gnomAD v4.1: 11,552 of 1,612,282 alleles (0.72%); highest among the groups gnomAD compares: Middle Eastern, 1.8%; 56 homozygotes.

Submissions (5):

CeGaT Center for Human Genetics Tuebingen
Classification: Likely benign. Last evaluated: 2026-06-01. Review status: criteria provided, single submitter. Criteria: CeGaT Center For Human Genetics Tuebingen Variant Classification Criteria Version 2. Collection method: clinical testing. Allele origin: germline. Affected: yes. Observed: 27 variant alleles.
Comment: MEGF8: BP4, BP7, BS2

Labcorp Genetics (formerly Invitae), Labcorp
Classification: Benign for MEGF8-related Carpenter syndrome. Last evaluated: 2026-02-01. Review status: criteria provided, single submitter. Criteria: Invitae Variant Classification Sherloc (09022015). Collection method: clinical testing. Allele origin: germline.

GeneDx
Classification: Likely benign. Last evaluated: 2021-03-31. Review status: criteria provided, single submitter. Criteria: GeneDx Variant Classification Process June 2021. Collection method: clinical testing. Allele origin: germline. Affected: yes.

Breakthrough Genomics
Classification: Likely benign. Review status: criteria provided, single submitter. Criteria: ACMG Guidelines, 2015. Collection method: not provided. Allele origin: germline. Inheritance: Autosomal recessive inheritance. Affected: yes.

PreventionGenetics, part of Exact Sciences
Classification: Likely benign for MEGF8-related condition. Last evaluated: 2023-01-19. Review status: no assertion criteria provided. Collection method: clinical testing. Allele origin: germline. Not counted in ClinVar's aggregate classification.
Comment: This variant is classified as likely benign based on ACMG/AMP sequence variant interpretation guidelines (Richards et al. 2015 PMID: 25741868, with internal and published modifications).